The following is an entry in ClinVar:

NM_007294.4(BRCA1):c.3752_3753del (p.Cys1251fs)

Genes: BRCA1 (BRCA1 DNA repair associated; minus strand), LOC126862571 (BRD4-independent group 4 enhancer GRCh37_chr17:41243136-41244335; plus strand). Cytogenetic location: 17q21.31.
Variant type: Microsatellite.
Coding change: c.3752_3753del on transcript NM_007294.4 (MANE Select); coding-DNA positions 3752 to 3753, 2 bases deleted (GT; older notation c.3752_3753delGT).
Protein change: p.Cys1251fs; shifts the reading frame from cysteine 1251.
Molecular consequence: frameshift variant. On other transcripts: intron variant (135).
Genome position (GRCh38, 1-based): chr17:43,091,778-43,091,779, AC deleted on the plus strand (GT on the coding strand, the reverse complement: BRCA1 is on the minus strand); deleting any 2 consecutive bases within chr17:43,091,778-43,091,781 gives the same sequence; the c. name uses the placement nearest the transcript's 3' end. VCF-style (leftmost placement, unchanged base first): chr17-43091777-GAC-G. GRCh37 (hg19) VCF-style: chr17-41243794-GAC-G.
Other names: c.662-747_662-746del (NM_001408432.1, NM_001408446.1, NM_001408435.1 and 6 more transcripts); c.668-747_668-746del (NM_001408431.1, NM_001408424.1, NM_001408421.1); c.785-747_785-746del (NM_001408407.1, NM_001408402.1, NM_001408473.1 and 13 more transcripts); c.665-747_665-746del (NM_001408439.1, NM_001408443.1, NM_001408425.1 and 12 more transcripts); c.671-747_671-746del (NM_001408419.1, NM_001408423.1, NM_001408420.1 and 2 more transcripts); c.788-747_788-746del (NM_001408403.1, NM_001407983.1, NM_001407975.1 and 17 more transcripts); c.647-747_647-746del (NM_001408456.1, NM_001408458.1, NM_001408469.1 and 11 more transcripts); c.791-756_791-755del (NM_001408406.1); and 43 more; short protein forms C1204fs, C1251fs, C1203fs, C1124fs, C1162fs, C1184fs, C1209fs, C1123fs.
Identifiers: ClinVar variation 3825327 (VCV003825327.1).

ClinVar aggregate classification (germline): Pathogenic (1 of 4 stars; one submission).

Conditions:
Hereditary cancer-predisposing syndrome. Also called: Hereditary neoplastic syndrome; Neoplastic Syndromes, Hereditary; Tumor predisposition; Hereditary Cancer Syndrome. Identifiers: Orphanet 140162, MedGen C0027672, MeSH D009386, MONDO:0015356.

Submission:

Ambry Genetics
Classification: Pathogenic for Hereditary cancer-predisposing syndrome. Last evaluated: 2025-03-13. Review status: criteria provided, single submitter. Criteria: Ambry Variant Classification Scheme 2023. Collection method: clinical testing. Allele origin: germline.
Comment: The c.3752_3753delGT (p.C1251Sfs*3) alteration, located in exon 10 (coding exon 9) of the BRCA1 gene, consists of a deletion of 2 nucleotides from position 3752 to 3753, causing a translational frameshift with a predicted alternate stop codon after 3 amino acids. This alteration is expected to result in loss of function by premature protein truncation or nonsense-mediated mRNA decay. This variant was not reported in population-based cohorts in the Genome Aggregation Database (gnomAD). Based on the available evidence, this alteration is classified as pathogenic.